The following is an entry in ClinVar:

NM_004006.3(DMD):c.6912+8A>G

Gene: DMD (dystrophin; minus strand). Cytogenetic location: Xp21.1.
Variant type: single nucleotide variant.
Coding change: c.6912+8A>G on transcript NM_004006.3 (MANE Select); 8 bases into the intron after coding-DNA position 6912, A replaced by G.
Molecular consequence: intron variant.
Genome position (GRCh38, 1-based): chrX:31,929,588, T>C on the plus strand (A>G on the coding strand, the complement: DMD is on the minus strand). VCF-style: chrX-31929588-T-C. GRCh37 (hg19) VCF-style: chrX-31947705-T-C.
Other names: c.6888+8A>G (NM_000109.4); c.2889+8A>G (NM_004011.4); c.2880+8A>G (NM_004012.4); c.-469+8A>G (NM_004023.3, NM_004020.4, NM_004022.3 and 2 more transcripts); c.6900+8A>G (NM_004009.3); c.6543+8A>G (NM_004010.3).
Identifiers: ClinVar variation 513113 (VCV000513113.15), dbSNP rs1296209292, ClinGen allele CA641211829.

ClinVar aggregate classification (germline): Likely benign. Review status: criteria provided, multiple submitters, no conflicts (2 of 4 stars). 5 submissions from 5 submitters: Likely benign (5). Last evaluated 2025-12-08.

Conditions:
Duchenne muscular dystrophy (DMD). Also called: Duchenne Muscular Dystrophy (DMD); MUSCULAR DYSTROPHY, PSEUDOHYPERTROPHIC PROGRESSIVE, DUCHENNE TYPE. Identifiers: Orphanet 98896, MedGen C0013264, MONDO:0010679, OMIM 310200.

Allele frequency attached by ClinVar (database versions not stated): gnomAD exomes 0.00001 and 0.00002; TOPMed 0.00001; gnomAD 0.00005.
gnomAD v4.1: 31 of 1,210,050 alleles (0.0026%); highest among the groups gnomAD compares: Non-Finnish European, 0.0028%; no homozygotes.

Submissions (5):

Labcorp Genetics (formerly Invitae), Labcorp
Classification: Likely benign for Duchenne muscular dystrophy. Last evaluated: 2025-12-08. Review status: criteria provided, single submitter. Criteria: Invitae Variant Classification Sherloc (09022015). Collection method: clinical testing. Allele origin: germline.

ARUP Laboratories, Molecular Genetics and Genomics, ARUP Laboratories
Classification: Likely benign. Last evaluated: 2025-05-29. Review status: criteria provided, single submitter. Criteria: ARUP Molecular Germline Variant Investigation Process 2024. Collection method: clinical testing. Allele origin: germline.

Molecular Diagnostic Laboratory for Inherited Cardiovascular Disease, Montreal Heart Institute
Classification: Likely benign. Last evaluated: 2025-04-09. Review status: criteria provided, single submitter. Criteria: ACMG Guidelines, 2015. Collection method: clinical testing. Allele origin: germline. Affected: no.

Blueprint Genetics
Classification: Likely benign. Last evaluated: 2022-06-17. Review status: criteria provided, single submitter. Criteria: ACMG Guidelines, 2015. Collection method: clinical testing. Allele origin: germline.

GeneDx
Classification: Likely benign. Last evaluated: 2017-10-26. Review status: criteria provided, single submitter. Criteria: GeneDx Variant Classification (06012015). Collection method: clinical testing. Allele origin: germline. Affected: yes.
Comment: This variant is considered likely benign or benign based on one or more of the following criteria: it is a conservative change, it occurs at a poorly conserved position in the protein, it is predicted to be benign by multiple in silico algorithms, and/or has population frequency not consistent with disease.